The following is an entry in ClinVar:

ClinVar aggregate classification (germline): Uncertain significance (1 of 4 stars; one submission).

Submission:

GeneDx
Classification: Uncertain significance. Last evaluated: 2025-01-06. Review status: criteria provided, single submitter. Criteria: GeneDx Variant Classification Process June 2021. Collection method: clinical testing. Allele origin: germline. Affected: yes.
Comment: Not observed at significant frequency in large population cohorts (gnomAD); In silico analysis supports that this missense variant has a deleterious effect on protein structure/function; Has not been previously published as pathogenic or benign to our knowledge

NM_001178015.2(SLC4A10):c.1247G>A (p.Gly416Glu)

Gene: SLC4A10 (solute carrier family 4 member 10; plus strand). Cytogenetic location: 2q24.2.
Variant type: single nucleotide variant.
Coding change: c.1247G>A on transcript NM_001178015.2 (MANE Select); coding-DNA position 1247, G replaced by A.
Protein change: p.Gly416Glu; replaces glycine 416 with glutamic acid.
Molecular consequence: missense variant.
Genome position (GRCh38, 1-based): chr2:161,894,731, G>A. VCF-style: chr2-161894731-G-A. GRCh37 (hg19) VCF-style: chr2-162751241-G-A.
Other names: c.1190G>A, p.Gly397Glu (NM_001178016.2, NM_001354445.2); c.1247G>A, p.Gly416Glu (NM_001354440.2); c.1280G>A, p.Gly427Glu (NM_001354441.2, NM_001354442.2); c.1193G>A, p.Gly398Glu (NM_001354443.2, NM_001354447.2); c.1244G>A, p.Gly415Glu (NM_001354444.2); c.1157G>A, p.Gly386Glu (NM_001354446.2, NM_001354450.2, NM_022058.4); c.1187G>A, p.Gly396Glu (NM_001354448.2); c.1154G>A, p.Gly385Glu (NM_001354449.2, NM_001354451.2); and 3 more; short protein forms G193E, G337E, G385E, G386E, G396E, G397E, G398E, G415E.
Identifiers: ClinVar variation 4056905 (VCV004056905.1).